The following is an entry in ClinVar:

ClinVar aggregate classification (germline): Uncertain significance. Review status: criteria provided, multiple submitters, no conflicts (2 of 4 stars). 2 submissions from 2 submitters: Uncertain significance (2). Last evaluated 2026-02-03.

Conditions:
Autosomal recessive limb-girdle muscular dystrophy type 2J (LGMDR10). Also called: Limb-girdle muscular dystrophy, type 2J; MUSCULAR DYSTROPHY, LIMB-GIRDLE, AUTOSOMAL RECESSIVE 10. Identifiers: Orphanet 140922, MedGen C1837342, MONDO:0012127, OMIM 608807.
Dilated cardiomyopathy 1G (CMD1G). Identifiers: Orphanet 154, MedGen C1858763, MONDO:0011400, OMIM 604145.
TTN-related disorder. Also called: TTN-related disorders; TTN-related condition; TTN-related disease.

gnomAD v4.1: 16 of 1,613,838 alleles (0.00099%); highest among the groups gnomAD compares: Middle Eastern, 0.033%; no homozygotes.

Submissions (2):

Labcorp Genetics (formerly Invitae), Labcorp
Classification: Uncertain significance for Dilated cardiomyopathy 1G; Autosomal recessive limb-girdle muscular dystrophy type 2J. Last evaluated: 2026-02-03. Review status: criteria provided, single submitter. Criteria: Invitae Variant Classification Sherloc (09022015). Collection method: clinical testing. Allele origin: germline.
Comment: This sequence change replaces isoleucine, which is neutral and non-polar, with arginine, which is basic and polar, at codon 34631 of the TTN protein (p.Ile34631Arg). This variant is present in population databases (rs776709904, gnomAD 0.02%). This variant has not been reported in the literature in individuals affected with TTN-related conditions. ClinVar contains an entry for this variant (Variation ID: 1414400). Experimental studies and prediction algorithms are not available or were not evaluated, and the functional significance of this variant is currently unknown. This variant is located in the M band of TTN (PMID: 25589632). Non-truncating variants in this region may be relevant for neuromuscular disorders, but have not been definitively shown to cause cardiomyopathy (PMID: 23975875). In summary, the available evidence is currently insufficient to determine the role of this variant in disease. Therefore, it has been classified as a Variant of Uncertain Significance.

PreventionGenetics, part of Exact Sciences
Classification: Uncertain significance for TTN-related condition. Last evaluated: 2025-12-22. Review status: criteria provided, single submitter. Criteria: ACMG Guidelines, 2015. Collection method: clinical testing. Allele origin: germline.
Comment: The TTN c.103892T>G variant is predicted to result in the amino acid substitution p.Ile34631Arg. To our knowledge, this variant has not been reported in the literature. This variant is reported in 0.025% of alleles in individuals of African descent in gnomAD. At this time, the clinical significance of this variant is uncertain due to the absence of conclusive functional and genetic evidence.

Literature cited by the submitters: PubMed 25589632 (cited by Labcorp Genetics (formerly Invitae), Labcorp); PubMed 23975875 (cited by Labcorp Genetics (formerly Invitae), Labcorp).

NM_001267550.2(TTN):c.103892T>G (p.Ile34631Arg)

Genes: TTN (titin; minus strand), TTN-AS1 (TTN antisense RNA 1; plus strand). Cytogenetic location: 2q31.2.
Variant type: single nucleotide variant.
Coding change: c.103892T>G on transcript NM_001267550.2 (MANE Select); coding-DNA position 103892, T replaced by G.
Protein change: p.Ile34631Arg; replaces isoleucine 34631 with arginine.
Molecular consequence: missense variant.
Genome position (GRCh38, 1-based): chr2:178,532,723, A>C on the plus strand (T>G on the coding strand, the complement: TTN is on the minus strand). VCF-style: chr2-178532723-A-C. GRCh37 (hg19) VCF-style: chr2-179397450-A-C.
Other names: c.98969T>G, p.Ile32990Arg (NM_001256850.1); c.76697T>G, p.Ile25566Arg (NM_003319.4); c.96188T>G, p.Ile32063Arg (NM_133378.4); c.77072T>G, p.Ile25691Arg (NM_133432.3); c.77273T>G, p.Ile25758Arg (NM_133437.4); short protein forms I25758R, I25566R, I32990R, I25691R, I32063R, I34631R.
Identifiers: ClinVar variation 1414400 (VCV001414400.5), dbSNP rs776709904, ClinGen allele CA1985527.